The following is an entry in ClinVar:

ClinVar aggregate classification (germline): Likely benign (1 of 4 stars; one submission).

Allele frequency attached by ClinVar (database versions not stated): gnomAD exomes below 0.00001; gnomAD 0.00001; TOPMed 0.00002.
gnomAD v4.1: 4 of 985,210 alleles (0.00041%); highest among the groups gnomAD compares: African/African-American, 0.0017%; no homozygotes.

Submission:

CeGaT Center for Human Genetics Tuebingen
Classification: Likely benign. Last evaluated: 2024-03-01. Review status: criteria provided, single submitter. Criteria: CeGaT Center For Human Genetics Tuebingen Variant Classification Criteria Version 2. Collection method: clinical testing. Allele origin: germline. Affected: yes. Observed: 1 variant allele.
Comment: MCPH1: BP4, BP7

NM_024596.5(MCPH1):c.2452+4333G>A

Genes: MCPH1 (microcephalin 1; plus strand), MCPH1-AS1 (MCPH1 antisense RNA 1; minus strand). Cytogenetic location: 8p23.1.
Variant type: single nucleotide variant.
Coding change: c.2452+4333G>A on transcript NM_024596.5 (MANE Select); 4333 bases into the intron after coding-DNA position 2452, G replaced by A.
Molecular consequence: intron variant. On other transcripts: synonymous variant (1).
Genome position (GRCh38, 1-based): chr8:6,626,024, G>A. VCF-style: chr8-6626024-G-A. GRCh37 (hg19) VCF-style: chr8-6483545-G-A.
Other names: c.2520G>A, p.Gln840= (NM_001410917.1); c.2594+987G>A (NM_001322042.2); c.2173+4333G>A (NM_001363980.2); c.2452+4333G>A (NM_001363979.1).
Identifiers: ClinVar variation 3067465 (VCV003067465.21), dbSNP rs1475485032, ClinGen allele CA579646779.